The following is an entry in ClinVar:

ClinVar aggregate classification (germline): Uncertain significance (1 of 4 stars; one submission).

Conditions:
Inborn genetic diseases. Identifiers: MedGen C0950123, MeSH D030342.

Submission:

Ambry Genetics
Classification: Uncertain significance for Inborn genetic diseases. Last evaluated: 2019-06-18. Review status: criteria provided, single submitter. Criteria: Ambry Variant Classification Scheme 2023. Collection method: clinical testing. Allele origin: germline.
Comment: The c.74+4G>A intronic variant results from a G to A substitution 4 nucleotides after coding exon 1 in the GABRA1 gene. This nucleotide position is well conserved in available vertebrate species. Using the BDGP and ESEfinder splice site prediction tools, this alteration is not predicted to have any significant effect on this splice acceptor/donor site; however, direct evidence is unavailable. Since supporting evidence is limited at this time, the clinical significance of this alteration remains unclear.

NM_001127644.2(GABRA1):c.74+4G>A

Gene: GABRA1 (gamma-aminobutyric acid type A receptor subunit alpha1; plus strand). Cytogenetic location: 5q34.
Variant type: single nucleotide variant.
Coding change: c.74+4G>A on transcript NM_001127644.2 (MANE Select); 4 bases into the intron after coding-DNA position 74, G replaced by A.
Molecular consequence: intron variant.
Genome position (GRCh38, 1-based): chr5:161,850,888, G>A. VCF-style: chr5-161850888-G-A. GRCh37 (hg19) VCF-style: chr5-161277894-G-A.
Other names: c.74+4G>A (NM_000806.5, NM_001127643.2, NM_001127645.2 and 1 more transcripts).
Identifiers: ClinVar variation 1758746 (VCV001758746.2), dbSNP rs2532198380, ClinGen allele CA2580073993.